The following is an entry in ClinVar:

ClinVar aggregate classification (germline): Benign (1 of 4 stars; one submission).

Conditions:
Werner syndrome (WRN). Identifiers: Orphanet 902, MedGen C0043119, MONDO:0010196, OMIM 277700.

Allele frequency attached by ClinVar (database versions not stated): gnomAD 0.03036 and 0.03283; 1000 Genomes Project 0.03095; 1000 Genomes Project 30x 0.03248; TOPMed 0.03458.

Submission:

Illumina Laboratory Services, Illumina
Classification: Benign for Werner syndrome. Last evaluated: 2018-01-12. Review status: criteria provided, single submitter. Criteria: ICSL Variant Classification Criteria 13 December 2019. Collection method: clinical testing. Allele origin: germline.
Comment: This variant was observed in the ICSL laboratory as part of a predisposition screen in an ostensibly healthy population. It had not been previously curated by ICSL or reported in the Human Gene Mutation Database (HGMD: prior to June 1st, 2018), and was therefore a candidate for classification through an automated scoring system. Utilizing variant allele frequency, disease prevalence and penetrance estimates, and inheritance mode, an automated score was calculated to assess if this variant is too frequent to cause the disease. Based on the score and internal cut-off values, a variant classified as benign is not then subjected to further curation. The score for this variant resulted in a classification of benign for this disease.

NM_000553.6(WRN):c.-163C>G

Gene: WRN (WRN RecQ like helicase; plus strand). Cytogenetic location: 8p12.
Variant type: single nucleotide variant.
Coding change: c.-163C>G on transcript NM_000553.6 (MANE Select); 163 bases upstream of the start codon, C replaced by G.
Molecular consequence: 5 prime UTR variant.
Genome position (GRCh38, 1-based): chr8:31,033,887, C>G. VCF-style: chr8-31033887-C-G. GRCh37 (hg19) VCF-style: chr8-30891403-C-G.
Identifiers: ClinVar variation 362792 (VCV000362792.5), dbSNP rs11574160, ClinGen allele CA10630885.